The following is an entry in ClinVar:

ClinVar aggregate classification (germline): Uncertain significance. Review status: criteria provided, multiple submitters, no conflicts (2 of 4 stars). 2 submissions from 2 submitters: Uncertain significance (2). Last evaluated 2025-02-28.

Conditions:
Inborn genetic diseases. Identifiers: MedGen C0950123, MeSH D030342.

gnomAD v4.1: 3 of 1,614,042 alleles (0.00019%); no homozygotes.

Submissions (2):

Ambry Genetics
Classification: Uncertain significance for Inborn genetic diseases. Last evaluated: 2025-02-28. Review status: criteria provided, single submitter. Criteria: Ambry Variant Classification Scheme 2023. Collection method: clinical testing. Allele origin: germline.
Comment: The p.E320D variant (also known as c.960A>C), located in coding exon 6 of the MECOM gene, results from an A to C substitution at nucleotide position 960. The glutamic acid at codon 320 is replaced by aspartic acid, an amino acid with highly similar properties. This amino acid position is conserved. In addition, this alteration is predicted to be tolerated by in silico analysis. Based on the available evidence, the clinical significance of this variant remains unclear.

Labcorp Genetics (formerly Invitae), Labcorp
Classification: Uncertain significance. Last evaluated: 2024-12-26. Review status: criteria provided, single submitter. Criteria: Invitae Variant Classification Sherloc (09022015). Collection method: clinical testing. Allele origin: germline.
Comment: This sequence change replaces glutamic acid, which is acidic and polar, with aspartic acid, which is acidic and polar, at codon 132 of the MECOM protein (p.Glu132Asp). This variant is not present in population databases (gnomAD no frequency). This variant has not been reported in the literature in individuals affected with MECOM-related conditions. An algorithm developed to predict the effect of missense changes on protein structure and function (PolyPhen-2) suggests that this variant is likely to be disruptive. In summary, the available evidence is currently insufficient to determine the role of this variant in disease. Therefore, it has been classified as a Variant of Uncertain Significance.

NM_004991.4(MECOM):c.960A>C (p.Glu320Asp)

Gene: MECOM (MDS1 and EVI1 complex locus; minus strand). Cytogenetic location: 3q26.2.
Variant type: single nucleotide variant.
Coding change: c.960A>C on transcript NM_004991.4 (MANE Select); coding-DNA position 960, A replaced by C.
Protein change: p.Glu320Asp; replaces glutamic acid 320 with aspartic acid.
Molecular consequence: missense variant.
Genome position (GRCh38, 1-based): chr3:169,122,598, T>G on the plus strand (A>C on the coding strand, the complement: MECOM is on the minus strand). VCF-style: chr3-169122598-T-G. GRCh37 (hg19) VCF-style: chr3-168840386-T-G.
Other names: c.588A>C, p.Glu196Asp (NM_001105077.4); c.396A>C, p.Glu132Asp (NM_001105078.4, NM_001163999.2, NM_001164000.2 and 9 more transcripts); c.960A>C, p.Glu320Asp (NM_001366466.2, NM_001366473.2); c.960A>C (NM_004991.3); short protein forms E320D, E132D, E196D.
Identifiers: ClinVar variation 3721062 (VCV003721062.3).